The following is an entry in ClinVar:

NM_174934.4(SCN4B):c.445C>T (p.Leu149Phe)

Genes: SCN4B (sodium voltage-gated channel beta subunit 4; minus strand), LOC126861356 (BRD4-independent group 4 enhancer GRCh37_chr11:118014519-118015718; plus strand). Cytogenetic location: 11q23.3.
Variant type: single nucleotide variant.
Coding change: c.445C>T on transcript NM_174934.4 (MANE Select); coding-DNA position 445, C replaced by T.
Protein change: p.Leu149Phe; replaces leucine 149 with phenylalanine.
Molecular consequence: missense variant. On other transcripts: intron variant (1).
Genome position (GRCh38, 1-based): chr11:118,143,851, G>A on the plus strand (C>T on the coding strand, the complement: SCN4B is on the minus strand). VCF-style: chr11-118143851-G-A. GRCh37 (hg19) VCF-style: chr11-118014566-G-A.
Other names: c.115C>T, p.Leu39Phe (NM_001142349.2); c.62-2515C>T (NM_001142348.2); short protein forms L149F, L39F.
Identifiers: ClinVar variation 3229288 (VCV003229288.1), dbSNP rs2497563693, ClinGen allele CA382777854.

ClinVar aggregate classification (germline): Uncertain significance (1 of 4 stars; one submission).

Conditions:
Cardiovascular phenotype. Identifiers: MedGen CN230736.

Allele frequency attached by ClinVar (database versions not stated): gnomAD exomes below 0.00001.
gnomAD v4.1: 2 of 1,612,560 alleles (0.00012%); highest among the groups gnomAD compares: East Asian, 0.0022%; no homozygotes.

Submission:

Ambry Genetics
Classification: Uncertain significance for Cardiovascular phenotype. Last evaluated: 2023-12-25. Review status: criteria provided, single submitter. Criteria: Ambry Variant Classification Scheme 2023. Collection method: clinical testing. Allele origin: germline.
Comment: The p.L149F variant (also known as c.445C>T), located in coding exon 3 of the SCN4B gene, results from a C to T substitution at nucleotide position 445. The leucine at codon 149 is replaced by phenylalanine, an amino acid with highly similar properties. This amino acid position is conserved. In addition, this alteration is predicted to be deleterious by in silico analysis. Since supporting evidence is limited at this time, the clinical significance of this alteration remains unclear.